The following is an entry in ClinVar:

ClinVar aggregate classification (germline): Likely pathogenic (1 of 4 stars; one submission).

Conditions:
Spermatogenic failure 56. Identifiers: MedGen C5561978, MONDO:0030430, OMIM 619515.

gnomAD v4.1: 79 of 1,613,732 alleles (0.0049%); highest among the groups gnomAD compares: East Asian, 0.02%; no homozygotes.

Submission:

First Genomix Gene Laboratory, Genetic Diagnostics Department
Classification: Likely pathogenic for Spermatogenic failure 56. Last evaluated: 2025-09-17. Review status: criteria provided, single submitter. Criteria: ACMG Guidelines, 2015. Collection method: clinical testing. Allele origin: germline. Inheritance: Autosomal recessive inheritance. Affected: no. Observed: 1 variant allele.

NM_001372106.1(DNAH10):c.6016C>T (p.Arg2006Ter)

Gene: DNAH10 (dynein axonemal heavy chain 10; plus strand). Cytogenetic location: 12q24.31.
Variant type: single nucleotide variant.
Coding change: c.6016C>T on transcript NM_001372106.1 (MANE Select); coding-DNA position 6016, C replaced by T.
Protein change: p.Arg2006Ter; replaces arginine 2006 with a stop codon.
Molecular consequence: nonsense.
Genome position (GRCh38, 1-based): chr12:123,848,796, C>T. VCF-style: chr12-123848796-C-T. GRCh37 (hg19) VCF-style: chr12-124333343-C-T.
Other names: c.5662C>T, p.Arg1888Ter (NM_207437.3); short protein forms R1888*, R2006*.
Identifiers: ClinVar variation 4850361 (VCV004850361.1).